The following is an entry in ClinVar:

ClinVar aggregate classification (germline): Pathogenic. Review status: criteria provided, multiple submitters, no conflicts (2 of 4 stars). 2 submissions from 2 submitters: Pathogenic (2). Last evaluated 2024-03-04.

Conditions:
Familial hemophagocytic lymphohistiocytosis 2 (FHL2). Also called: PRF1-Related Familial Hemophagocytic Lymphohistiocytosis (PRF1-fHLH). Identifiers: Orphanet 540, MedGen C1863727, MONDO:0011337, OMIM 603553.
Aplastic anemia. Identifiers: Orphanet 182040, Orphanet 88, MedGen C0002874, MONDO:0015909, OMIM 609135, HP:0001915.

Submissions (2):

Labcorp Genetics (formerly Invitae), Labcorp
Classification: Pathogenic for Familial hemophagocytic lymphohistiocytosis 2. Last evaluated: 2024-03-04. Review status: criteria provided, single submitter. Criteria: Invitae Variant Classification Sherloc (09022015). Collection method: clinical testing. Allele origin: germline.
Comment: This sequence change creates a premature translational stop signal (p.Trp425Leufs*33) in the PRF1 gene. While this is not anticipated to result in nonsense mediated decay, it is expected to disrupt the last 131 amino acid(s) of the PRF1 protein. This variant is not present in population databases (gnomAD no frequency). This premature translational stop signal has been observed in individual(s) with hemophagocytic lymphohistiocytosis (PMID: 31055813). In at least one individual the data is consistent with being in trans (on the opposite chromosome) from a pathogenic variant. This variant disrupts a region of the PRF1 protein in which other variant(s) (@p.Asp491Asn) have been determined to be pathogenic (PMID: 17477373, 25577959, 33746956). This suggests that this is a clinically significant region of the protein, and that variants that disrupt it are likely to be disease-causing. For these reasons, this variant has been classified as Pathogenic.

Baylor Genetics
Classification: Pathogenic for Aplastic anemia. Last evaluated: 2023-11-21. Review status: criteria provided, single submitter. Criteria: ACMG Guidelines, 2015. Collection method: clinical testing. Allele origin: unknown.

Literature cited by the submitters: PubMed 31055813 (cited by Labcorp Genetics (formerly Invitae), Labcorp); PubMed 17477373 (cited by Labcorp Genetics (formerly Invitae), Labcorp); PubMed 25577959 (cited by Labcorp Genetics (formerly Invitae), Labcorp); PubMed 33746956 (cited by Labcorp Genetics (formerly Invitae), Labcorp).

NM_001083116.3(PRF1):c.1273dup (p.Trp425fs)

Gene: PRF1 (perforin 1; minus strand). Cytogenetic location: 10q22.1.
Variant type: Duplication.
Coding change: c.1273dup on transcript NM_001083116.3 (MANE Select); coding-DNA position 1273, one base duplicated (T; older notation c.1273dupT).
Protein change: p.Trp425fs; shifts the reading frame from tryptophan 425.
Molecular consequence: frameshift variant.
Genome position (GRCh38, 1-based): chr10:70,598,448, A duplicated on the plus strand (T on the coding strand, the reverse complement: PRF1 is on the minus strand). VCF-style (leftmost placement, unchanged base first): chr10-70598447-C-CA. GRCh37 (hg19) VCF-style: chr10-72358203-C-CA.
Other names: c.1273dup, p.Trp425fs (NM_005041.6); short protein forms W425fs.
Identifiers: ClinVar variation 2907398 (VCV002907398.4), dbSNP rs2493482848, ClinGen allele CA2695212184.